The following is an entry in ClinVar:

NM_012281.3(KCND2):c.1595GAC[1] (p.Arg533del)

Gene: KCND2 (potassium voltage-gated channel subfamily D member 2; plus strand). Cytogenetic location: 7q31.31.
Variant type: Microsatellite.
Coding change: c.1595GAC[1] on transcript NM_012281.3 (MANE Select); one copy of the 3-base unit GAC starting at c.1595; the reference has two copies in a row; one copy, 3 bases deleted.
Protein change: p.Arg533del; deletes arginine 533.
Molecular consequence: inframe deletion.
Genome position (GRCh38, 1-based): chr7:120,745,910-120,745,912, GAC deleted; deleting any 3 consecutive bases within chr7:120,745,905-120,745,912 gives the same sequence; the position shown is the placement nearest the transcript's 3' end. VCF-style (leftmost placement, unchanged base first): chr7-120745904-CACG-C. GRCh37 (hg19) VCF-style: chr7-120385958-CACG-C.
Other names: short protein forms R533del.
Identifiers: ClinVar variation 4057188 (VCV004057188.1).

ClinVar aggregate classification (germline): Uncertain significance (1 of 4 stars; one submission).

Submission:

GeneDx
Classification: Uncertain significance. Last evaluated: 2025-01-13. Review status: criteria provided, single submitter. Criteria: GeneDx Variant Classification Process June 2021. Collection method: clinical testing. Allele origin: germline. Affected: yes.
Comment: In-frame deletion of 1 amino acid(s) in a non-repeat region; Not observed at significant frequency in large population cohorts (gnomAD); In silico analysis supports a deleterious effect on protein structure/function; Has not been previously published as pathogenic or benign to our knowledge